The following is an entry in ClinVar:

ClinVar aggregate classification (germline): Uncertain significance. Review status: criteria provided, multiple submitters, no conflicts (2 of 4 stars). 2 submissions from 2 submitters: Uncertain significance (2). Last evaluated 2024-04-19.

gnomAD v4.1: 50 of 1,614,146 alleles (0.0031%); highest among the groups gnomAD compares: African/African-American, 0.059%; no homozygotes.

Submissions (2):

Ambry Genetics
Classification: Uncertain significance. Last evaluated: 2024-04-19. Review status: criteria provided, single submitter. Criteria: Ambry Variant Classification Scheme 2023. Collection method: clinical testing. Allele origin: germline.

GeneDx
Classification: Uncertain significance. Last evaluated: 2024-01-25. Review status: criteria provided, single submitter. Criteria: GeneDx Variant Classification Process June 2021. Collection method: clinical testing. Allele origin: germline. Affected: yes.
Comment: In silico analysis supports that this missense variant does not alter protein structure/function; Has not been previously published as pathogenic or benign to our knowledge; Variants in candidate genes are classified as variants of uncertain significance in accordance with ACMG guidelines (PMID: 25741868)

NM_001347886.2(DNAH3):c.5753C>G (p.Ala1918Gly)

Gene: DNAH3 (dynein axonemal heavy chain 3; minus strand). Cytogenetic location: 16p12.3.
Variant type: single nucleotide variant.
Coding change: c.5753C>G on transcript NM_001347886.2 (MANE Select); coding-DNA position 5753, C replaced by G.
Protein change: p.Ala1918Gly; replaces alanine 1918 with glycine.
Molecular consequence: missense variant.
Genome position (GRCh38, 1-based): chr16:21,019,755, G>C on the plus strand (C>G on the coding strand, the complement: DNAH3 is on the minus strand). VCF-style: chr16-21019755-G-C. GRCh37 (hg19) VCF-style: chr16-21031077-G-C.
Other names: c.5891C>G, p.Ala1964Gly (NM_017539.2); short protein forms A1918G, A1964G.
Identifiers: ClinVar variation 3272814 (VCV003272814.2).
Genomic context (GRCh38, chr16:21,019,755, plus strand): 5'-ATGATCAGGTTGCGGAAAAACACATCAAATTTCTTTCTGCTGTCTGCGTTGATGGTGCCA[G>C]CCACGGTCCACACCAAGGAAAAGAGAAACAGTCCTTGGAGCCAGAGAAAGATCTGTTGAC-3'
Protein context (NP_001334815.1, residues 1908-1928): LFLFSLVWTV[Ala1918Gly]GTINADSRKK